The following is an entry in ClinVar:

ClinVar aggregate classification (germline): Uncertain significance. Review status: criteria provided, multiple submitters, no conflicts (2 of 4 stars). 2 submissions from 2 submitters: Uncertain significance (2). Last evaluated 2025-01-17.

Conditions:
Fanconi renotubular syndrome 1. Also called: Toni-Debre-Fanconi syndrome; Neonatal De Toni-Debre-Fanconi syndrome; FRTS1; De Toni-Fanconi syndrome; LUDER-SHELDON SYNDROME. Identifiers: MedGen C4551503, MONDO:0024525, OMIM 134600.
Arginine:glycine amidinotransferase deficiency (CCDS3). Also called: L-Arginine:Glycine Amidinotransferase Deficiency; AGAT deficiency; Creatine deficiency syndrome due to AGAT deficiency; GATM deficiency; L-Arginine:Glycine Amidinotransferase (AGAT) Deficiency; Cerebral creatine deficiency syndrome 3. Identifiers: Orphanet 35704, MedGen C2675179, MONDO:0012996, OMIM 612718.

Allele frequency attached by ClinVar (database versions not stated): gnomAD exomes below 0.00001 and 0.00001; gnomAD 0.00001; TOPMed 0.00001; ExAC 0.00002.
gnomAD v4.1: 9 of 1,614,052 alleles (0.00056%); highest among the groups gnomAD compares: African/African-American, 0.0013%; no homozygotes.

Submissions (2):

Labcorp Genetics (formerly Invitae), Labcorp
Classification: Uncertain significance for Arginine:glycine amidinotransferase deficiency. Last evaluated: 2025-01-17. Review status: criteria provided, single submitter. Criteria: Invitae Variant Classification Sherloc (09022015). Collection method: clinical testing. Allele origin: germline.
Comment: This sequence change replaces lysine, which is basic and polar, with arginine, which is basic and polar, at codon 237 of the GATM protein (p.Lys237Arg). This variant is present in population databases (rs764877849, gnomAD 0.002%). This variant has not been reported in the literature in individuals affected with GATM-related conditions. ClinVar contains an entry for this variant (Variation ID: 536984). Invitae Evidence Modeling of protein sequence and biophysical properties (such as structural, functional, and spatial information, amino acid conservation, physicochemical variation, residue mobility, and thermodynamic stability) indicates that this missense variant is not expected to disrupt GATM protein function with a negative predictive value of 95%. In summary, the available evidence is currently insufficient to determine the role of this variant in disease. Therefore, it has been classified as a Variant of Uncertain Significance.

Fulgent Genetics
Classification: Uncertain significance for Fanconi renotubular syndrome 1; Arginine:glycine amidinotransferase deficiency. Last evaluated: 2021-12-22. Review status: criteria provided, single submitter. Criteria: ACMG Guidelines, 2015. Collection method: clinical testing. Allele origin: unknown.

NM_001482.3(GATM):c.710A>G (p.Lys237Arg)

Gene: GATM (glycine amidinotransferase; minus strand). Cytogenetic location: 15q21.1.
Variant type: single nucleotide variant.
Coding change: c.710A>G on transcript NM_001482.3 (MANE Select); coding-DNA position 710, A replaced by G.
Protein change: p.Lys237Arg; replaces lysine 237 with arginine.
Molecular consequence: missense variant.
Genome position (GRCh38, 1-based): chr15:45,366,474, T>C on the plus strand (A>G on the coding strand, the complement: GATM is on the minus strand). VCF-style: chr15-45366474-T-C. GRCh37 (hg19) VCF-style: chr15-45658672-T-C.
Other names: c.323A>G, p.Lys108Arg (NM_001321015.2); short protein forms K237R, K108R.
Identifiers: ClinVar variation 536984 (VCV000536984.7), dbSNP rs764877849, ClinGen allele CA7542862.